The following is an entry in ClinVar:

ClinVar aggregate classification (germline): Likely benign (1 of 4 stars; one submission).

Allele frequency attached by ClinVar (database versions not stated): gnomAD exomes below 0.00001.
gnomAD v4.1: 2 of 1,200,935 alleles (0.00017%); highest among the groups gnomAD compares: East Asian, 0.003%; no homozygotes.

Submission:

CeGaT Center for Human Genetics Tuebingen
Classification: Likely benign. Last evaluated: 2023-05-01. Review status: criteria provided, single submitter. Criteria: CeGaT Center For Human Genetics Tuebingen Variant Classification Criteria Version 2. Collection method: clinical testing. Allele origin: germline. Affected: yes. Observed: 1 variant allele.
Comment: HUWE1: PM2:Supporting, BP4, BP7

NM_031407.7(HUWE1):c.10521A>C (p.Ala3507=)

Gene: HUWE1 (HECT, UBA and WWE domain containing E3 ubiquitin protein ligase 1; minus strand). Cytogenetic location: Xp11.22.
Variant type: single nucleotide variant.
Coding change: c.10521A>C on transcript NM_031407.7 (MANE Select); coding-DNA position 10521, A replaced by C.
Protein change: p.Ala3507=; no amino-acid change (alanine 3507 retained).
Molecular consequence: synonymous variant.
Genome position (GRCh38, 1-based): chrX:53,547,788, T>G on the plus strand (A>C on the coding strand, the complement: HUWE1 is on the minus strand). VCF-style: chrX-53547788-T-G. GRCh37 (hg19) VCF-style: chrX-53574749-T-G.
Identifiers: ClinVar variation 2571368 (VCV002571368.27), dbSNP rs2061609460, ClinGen allele CA516675722.
Genomic context (GRCh38, chrX:53,547,788, plus strand): 5'-GACAATGGTGGAAATAGCCGTGGCAGCAACCAGGGCTGGAGCAGAAGTGACAGGGGTGGG[T>G]GCAGTAGGGGGTGTGGGCGTGGTGGAGGCGGCAGTGGTGGTGGTGGTAGATGTGGTTGAG-3'
Protein context (NP_113584.3, residues 3497-3517): AASTTPTPPT[Ala3507=]PTPVTSAPAL